The following is an entry in ClinVar:

ClinVar aggregate classification (germline): Pathogenic/Likely pathogenic. Review status: criteria provided, multiple submitters, no conflicts (2 of 4 stars). 5 submissions from 5 submitters: Pathogenic (3); Likely pathogenic (2). Last evaluated 2025-12-02.

Conditions:
ADSL-related disorder. Also called: ADSL-related condition.
Adenylosuccinate lyase deficiency (ADSLD). Also called: ADSL DEFICIENCY. Identifiers: Orphanet 46, MedGen C0268126, MONDO:0007068, OMIM 103050.
Progressive neurologic deterioration. Identifiers: MedGen C1854838, HP:0002344.
Inability to walk. Identifiers: MedGen C0560046, HP:0002540.
Generalized myoclonic seizure. Also called: Myoclonic seizures; Generalized myoclonic seizures. Identifiers: MedGen C4021759, HP:0002123.
Severe global developmental delay. Also called: Severe psychomotor retardation. Identifiers: MedGen C1837397, HP:0011344.
Difficulty standing. Identifiers: MedGen C0241237, HP:0003698.

Allele frequency attached by ClinVar (database versions not stated): TOPMed 0.00001; ExAC 0.00002; gnomAD 0.00002.

Submissions (5):

Labcorp Genetics (formerly Invitae), Labcorp
Classification: Pathogenic for Adenylosuccinate lyase deficiency. Last evaluated: 2025-12-02. Review status: criteria provided, single submitter. Criteria: Invitae Variant Classification Sherloc (09022015). Collection method: clinical testing. Allele origin: germline.
Comment: This sequence change replaces arginine, which is basic and polar, with tryptophan, which is neutral and slightly polar, at codon 141 of the ADSL protein (p.Arg141Trp). This variant is present in population databases (rs756210458, gnomAD 0.003%). This missense change has been observed in individual(s) with clinical features of adenylosuccinate lyase deficiency (PMID: 31623504, 33648541). In at least one individual the data is consistent with being in trans (on the opposite chromosome) from a pathogenic variant. ClinVar contains an entry for this variant (Variation ID: 204815). Invitae Evidence Modeling of protein sequence and biophysical properties (such as structural, functional, and spatial information, amino acid conservation, physicochemical variation, residue mobility, and thermodynamic stability) indicates that this missense variant is expected to disrupt ADSL protein function with a positive predictive value of 80%. For these reasons, this variant has been classified as Pathogenic.

GeneDx
Classification: Likely pathogenic. Last evaluated: 2022-12-16. Review status: criteria provided, single submitter. Criteria: GeneDx Variant Classification Process June 2021. Collection method: clinical testing. Allele origin: germline. Affected: yes.
Comment: Not observed at significant frequency in large population cohorts (gnomAD); In silico analysis supports that this missense variant has a deleterious effect on protein structure/function; This variant is associated with the following publications: (PMID: 10090474, 16403972, 10958654, 31623504, 33648541, 20933180)

Laboratoire Génétique Moléculaire, CHRU TOURS
Classification: Likely pathogenic. Last evaluated: 2021-03-31. Review status: criteria provided, single submitter. Criteria: ACMG Guidelines, 2015. Collection method: clinical testing. Allele origin: maternal. Affected: yes.

Blueprint Genetics
Classification: Pathogenic for ADSL-related disorders. Last evaluated: 2020-08-12. Review status: criteria provided, single submitter. Criteria: ACMG Guidelines, 2015. Collection method: clinical testing. Allele origin: germline. Affected: yes. Observed: 1 variant allele.

Centre for Mendelian Genomics, University Medical Centre Ljubljana
Classification: Pathogenic for Difficulty standing; Generalized myoclonic seizure; Inability to walk; Progressive neurologic deterioration; Severe global developmental delay. Last evaluated: 2015-06-22. Review status: criteria provided, single submitter. Criteria: ACMG Guidelines, 2015. Collection method: clinical testing. Allele origin: unknown. Affected: yes.

Literature cited by the submitters: PubMed 31623504 (cited by Labcorp Genetics (formerly Invitae), Labcorp); PubMed 33648541 (cited by Labcorp Genetics (formerly Invitae), Labcorp).

NM_000026.4(ADSL):c.421C>T (p.Arg141Trp)

Gene: ADSL (adenylosuccinate lyase; plus strand). Cytogenetic location: 22q13.1.
Variant type: single nucleotide variant.
Coding change: c.421C>T on transcript NM_000026.4 (MANE Select); coding-DNA position 421, C replaced by T.
Protein change: p.Arg141Trp; replaces arginine 141 with tryptophan.
Molecular consequence: missense variant. On other transcripts: non-coding transcript variant (1).
Genome position (GRCh38, 1-based): chr22:40,354,266, C>T. VCF-style: chr22-40354266-C-T. GRCh37 (hg19) VCF-style: chr22-40750270-C-T.
Other names: p.R141W:CGG>TGG; c.421C>T, p.Arg141Trp (NM_001123378.3, NM_001363840.3); c.229C>T, p.Arg77Trp (NM_001317923.2); short protein forms R141W, R77W.
Identifiers: ClinVar variation 204815 (VCV000204815.13), dbSNP rs756210458, ClinGen allele CA313144.